The following is an entry in ClinVar:

ClinVar aggregate classification (germline): Uncertain significance. Review status: criteria provided, multiple submitters, no conflicts (2 of 4 stars). 5 submissions from 5 submitters: Uncertain significance (5). Last evaluated 2026-06-24.

Conditions:
COL2A1-related disorder. Also called: COL2A1-related condition; COL2A1-related disorders.

Allele frequency attached by ClinVar (database versions not stated): ExAC 0.00001; gnomAD exomes 0.00002 and 0.00014; TOPMed 0.00004; gnomAD 0.00008 and 0.00009.

Submissions (5):

GeneDx
Classification: Uncertain significance. Last evaluated: 2026-06-24. Review status: criteria provided, single submitter. Criteria: GeneDx Variant Classification Process June 2021. Collection method: clinical testing. Allele origin: germline.
Comment: Observed in a patient with short stature in published literature; the patient's father with short stature also harbored the variant (PMID: 40862376); In silico analysis supports that this missense variant has a deleterious effect on protein structure/function; Not located in the triple helical region, where the majority of pathogenic missense variants occur (HGMD); This variant is associated with the following publications: (PMID: 40862376)

Labcorp Genetics (formerly Invitae), Labcorp
Classification: Uncertain significance. Last evaluated: 2025-12-24. Review status: criteria provided, single submitter. Criteria: Invitae Variant Classification Sherloc (09022015). Collection method: clinical testing. Allele origin: germline.
Comment: This sequence change replaces glycine, which is neutral and non-polar, with alanine, which is neutral and non-polar, at codon 1215 of the COL2A1 protein (p.Gly1215Ala). This variant is present in population databases (rs775874428, gnomAD 0.005%). This variant has not been reported in the literature in individuals affected with COL2A1-related conditions. ClinVar contains an entry for this variant (Variation ID: 498756). Invitae Evidence Modeling of protein sequence and biophysical properties (such as structural, functional, and spatial information, amino acid conservation, physicochemical variation, residue mobility, and thermodynamic stability) indicates that this missense variant is expected to disrupt COL2A1 protein function with a positive predictive value of 95%. In summary, the available evidence is currently insufficient to determine the role of this variant in disease. Therefore, it has been classified as a Variant of Uncertain Significance.

PreventionGenetics, part of Exact Sciences
Classification: Uncertain significance for COL2A1-related condition. Last evaluated: 2025-08-09. Review status: criteria provided, single submitter. Criteria: ACMG Guidelines, 2015. Collection method: clinical testing. Allele origin: germline.
Comment: The COL2A1 c.3644G>C variant is predicted to result in the amino acid substitution p.Gly1215Ala. To our knowledge, this variant has not been reported in the literature. This variant is reported in 0.0047% of alleles in individuals of European (Non-Finnish) descent in gnomAD. At this time, the clinical significance of this variant is uncertain due to the absence of conclusive functional and genetic evidence.

Blueprint Genetics
Classification: Uncertain significance. Last evaluated: 2022-10-26. Review status: criteria provided, single submitter. Criteria: ACMG Guidelines, 2015. Collection method: clinical testing. Allele origin: germline.

Eurofins Ntd Llc (ga)
Classification: Uncertain significance. Last evaluated: 2016-12-29. Review status: criteria provided, single submitter. Criteria: EGL Classification Definitions 2015. Collection method: clinical testing. Allele origin: germline. Observed: 1 variant allele, 1 heterozygote.

NM_001844.5(COL2A1):c.3644G>C (p.Gly1215Ala)

Gene: COL2A1 (collagen type II alpha 1 chain; minus strand). Cytogenetic location: 12q13.11.
Variant type: single nucleotide variant.
Coding change: c.3644G>C on transcript NM_001844.5 (MANE Select); coding-DNA position 3644, G replaced by C.
Protein change: p.Gly1215Ala; replaces glycine 1215 with alanine.
Molecular consequence: missense variant.
Genome position (GRCh38, 1-based): chr12:47,975,559, C>G on the plus strand (G>C on the coding strand, the complement: COL2A1 is on the minus strand). VCF-style: chr12-47975559-C-G. GRCh37 (hg19) VCF-style: chr12-48369342-C-G.
Other names: c.3437G>C, p.Gly1146Ala (NM_033150.3); short protein forms G1215A, G1146A.
Identifiers: ClinVar variation 498756 (VCV000498756.14), dbSNP rs775874428, ClinGen allele CA6534678.